The following is an entry in ClinVar:

NM_022132.5(MCCC2):c.242dup (p.Leu82fs)

Gene: MCCC2 (methylcrotonyl-CoA carboxylase subunit 2; plus strand). Cytogenetic location: 5q13.2.
Variant type: Duplication.
Coding change: c.242dup on transcript NM_022132.5 (MANE Select); coding-DNA position 242, one base duplicated (T; older notation c.242dupT).
Protein change: p.Leu82fs; shifts the reading frame from leucine 82.
Molecular consequence: frameshift variant.
Genome position (GRCh38, 1-based): chr5:71,596,325, T duplicated. VCF-style (leftmost placement, unchanged base first): chr5-71596324-C-CT. GRCh37 (hg19) VCF-style: chr5-70892151-C-CT.
Other names: c.242dup, p.Leu82fs (NM_001363147.1); c.242dup (NM_022132.4); short protein forms L82fs.
Identifiers: ClinVar variation 3720623 (VCV003720623.5).

ClinVar aggregate classification (germline): Pathogenic/Likely pathogenic. Review status: criteria provided, multiple submitters, no conflicts (2 of 4 stars). 3 submissions from 3 submitters: Pathogenic (2); Likely pathogenic (1). Last evaluated 2025-05-18.

Conditions:
3-methylcrotonyl-CoA carboxylase 2 deficiency. Also called: METHYLCROTONYLGLYCINURIA, TYPE II; 3 alpha methylcrotonyl-CoA carboxylase 2 deficiency; 3 alpha methylcrotonylglycinuria 2; MCC 2 deficiency; Methylcrotonylglycinuria type 2. Identifiers: Orphanet 6, MedGen C1859499, MONDO:0008862, OMIM 210210.

Submissions (3):

Myriad Genetics, Inc.
Classification: Pathogenic for 3-methylcrotonyl-CoA carboxylase 2 deficiency. Last evaluated: 2025-05-18. Review status: criteria provided, single submitter. Criteria: Myriad Autosomal Dominant, Autosomal Recessive and X-Linked Classification Criteria (2023). Collection method: clinical testing. Allele origin: unknown.
Comment: NM_022132.4(MCCC2):c.242dupT(L82Ifs*7) is expected to be pathogenic in the context of 3-methylcrotonyl-CoA carboxylase deficiency, MCCC2-related. This variant is predicted to lead to an abnormal or absent protein product due to the creation of a premature termination codon in MCCC2, a gene where loss-of-function variants are known to be pathogenic. Please note: this variant was assessed in the context of healthy population screening.

Natera, Inc.
Classification: Likely pathogenic for 3-methylcrotonyl-CoA carboxylase 2 deficiency. Last evaluated: 2025-04-17. Review status: criteria provided, single submitter. Criteria: Natera Variant Classification Schema (03/2026). Collection method: clinical testing. Allele origin: germline.
Comment: The c.242dup variant in MCCC2 is a frameshift variant predicted to shift the reading frame beginning at codon 82 and leads to a stop codon 7 codons downstream. This variant is expected to result in nonsense mediated decay, truncation, or a dysfunctional protein product. This variant is rare in the general population with a frequency below the threshold expected for the associated phenotype(s). This variant has been observed in one or more individuals affected with the associated recessive disease, as either homozygous or compound heterozygous with a second variant (PMID: 16835865). Given the available evidence, this variant is classified as Likely Pathogenic.

Labcorp Genetics (formerly Invitae), Labcorp
Classification: Pathogenic for 3-methylcrotonyl-CoA carboxylase 2 deficiency. Last evaluated: 2024-09-19. Review status: criteria provided, single submitter. Criteria: Invitae Variant Classification Sherloc (09022015). Collection method: clinical testing. Allele origin: germline.
Comment: This sequence change creates a premature translational stop signal (p.Leu82Ilefs*7) in the MCCC2 gene. It is expected to result in an absent or disrupted protein product. Loss-of-function variants in MCCC2 are known to be pathogenic (PMID: 11181649, 22642865). This variant is not present in population databases (gnomAD no frequency). This variant has not been reported in the literature in individuals affected with MCCC2-related conditions. For these reasons, this variant has been classified as Pathogenic.

Literature cited by the submitters: PubMed 16835865 (cited by Natera, Inc.); PubMed 11181649 (cited by Labcorp Genetics (formerly Invitae), Labcorp); PubMed 22642865 (cited by Labcorp Genetics (formerly Invitae), Labcorp).